The following is an entry in ClinVar:

NM_001005242.3(PKP2):c.1379-2011G>A

Gene: PKP2 (plakophilin 2; minus strand). Cytogenetic location: 12p11.21.
Variant type: single nucleotide variant.
Coding change: c.1379-2011G>A on transcript NM_001005242.3 (MANE Select); 2011 bases into the intron before coding-DNA position 1379, G replaced by A.
Molecular consequence: intron variant. On other transcripts: synonymous variant (1).
Genome position (GRCh38, 1-based): chr12:32,843,216, C>T on the plus strand (G>A on the coding strand, the complement: PKP2 is on the minus strand). VCF-style: chr12-32843216-C-T. GRCh37 (hg19) VCF-style: chr12-32996150-C-T.
Other names: c.1476G>A, p.Thr492= (NM_004572.4).
Identifiers: ClinVar variation 628915 (VCV000628915.15), dbSNP rs140301552, ClinGen allele CA028584.
Genomic context (GRCh38, chr12:32,843,216, plus strand): 5'-ATTTTGAGTAGAGACAGGGGTCTCACCATGTTGGTCAGGCTGGTCTCGAACTCCTGACCT[C>T]GTGATCCGCCCGCCTTGGCCTCCCAAAGTGCTGGGATTACAGGCGTGAGCCACCGCGCCC-3'

ClinVar aggregate classification (germline): Likely benign. Review status: criteria provided, multiple submitters, no conflicts (2 of 4 stars). 4 submissions from 4 submitters: Likely benign (4). Last evaluated 2025-12-24.

Conditions:
Cardiovascular phenotype. Identifiers: MedGen CN230736.
Cardiomyopathy (CMYO). Also called: Cardiomyopathies. Identifiers: Orphanet 167848, MedGen C0878544, MONDO:0004994, HP:0001638. Inheritance: Various modes of inheritance.
Arrhythmogenic right ventricular cardiomyopathy (ARVD). Also called: Arrhythmogenic cardiomyopathy; Cardiomyopathy, ARVC; Arrhythmogenic right ventricular dysplasia; Arrhythmogenic Right Ventricular Cardiomyopathy (ARVC). Identifiers: Orphanet 247, MedGen C0349788, MeSH D019571, MONDO:0016587. Disease mechanism: loss of function. Inheritance: Various modes of inheritance.
Arrhythmogenic right ventricular dysplasia 9 (ARVD9). Also called: Arrhythmogenic Right Ventricular Dysplasia/Cardiomyopathy 9; ARRHYTHMOGENIC RIGHT VENTRICULAR DYSPLASIA, FAMILIAL, 9. Identifiers: MedGen C1836906, MONDO:0012180, OMIM 609040.

Allele frequency attached by ClinVar (database versions not stated): gnomAD 0.00003 and 0.00004; ExAC 0.00004; gnomAD exomes 0.00004; TOPMed 0.00004; ESP Exome Variant Server 0.00008.
gnomAD v4.1: 27 of 644,342 alleles (0.0042%); highest among the groups gnomAD compares: Non-Finnish European, 0.0053%; no homozygotes.

Submissions (4):

Labcorp Genetics (formerly Invitae), Labcorp
Classification: Likely benign for Arrhythmogenic right ventricular dysplasia 9. Last evaluated: 2025-12-24. Review status: criteria provided, single submitter. Criteria: Invitae Variant Classification Sherloc (09022015). Collection method: clinical testing. Allele origin: germline.

All of Us Research Program, National Institutes of Health
Classification: Likely benign for Arrhythmogenic right ventricular cardiomyopathy. Last evaluated: 2023-12-13. Review status: criteria provided, single submitter. Criteria: ACMG Guidelines, 2015. Collection method: clinical testing. Allele origin: germline. Inheritance: Autosomal dominant inheritance. Observed: 6 variant alleles, 6 heterozygotes.
Comment: This study involves interpretation of variants in research participants for the purpose of population health screening. Participant phenotype was not available at the time of variant classification. Additional details can be found in publication PMID: 35346344, PMCID: PMC8962531

Ambry Genetics
Classification: Likely benign for Cardiovascular phenotype. Last evaluated: 2021-05-13. Review status: criteria provided, single submitter. Criteria: Ambry Variant Classification Scheme 2023. Collection method: clinical testing. Allele origin: germline.

Color Diagnostics, LLC DBA Color Health
Classification: Likely benign for Cardiomyopathy. Last evaluated: 2018-07-22. Review status: criteria provided, single submitter. Criteria: ACMG Guidelines, 2015. Collection method: clinical testing. Allele origin: germline.